The following is an entry in ClinVar:

NM_001127222.2(CACNA1A):c.323T>C (p.Ile108Thr)

Gene: CACNA1A (calcium voltage-gated channel subunit alpha1 A; minus strand). Cytogenetic location: 19p13.13.
Variant type: single nucleotide variant.
Coding change: c.323T>C on transcript NM_001127222.2 (MANE Select); coding-DNA position 323, T replaced by C.
Protein change: p.Ile108Thr; replaces isoleucine 108 with threonine.
Molecular consequence: missense variant.
Genome position (GRCh38, 1-based): chr19:13,455,183, A>G on the plus strand (T>C on the coding strand, the complement: CACNA1A is on the minus strand). VCF-style: chr19-13455183-A-G. GRCh37 (hg19) VCF-style: chr19-13565997-A-G.
Other names: c.323T>C, p.Ile108Thr (NM_000068.4, NM_001127221.2, NM_001174080.2 and 1 more transcripts); short protein forms I108T.
Identifiers: ClinVar variation 2116564 (VCV002116564.4), dbSNP rs2513512273, ClinGen allele CA404967906.

ClinVar aggregate classification (germline): Likely pathogenic (1 of 4 stars; one submission).

Conditions:
Episodic ataxia type 2 (EA2). Also called: ACETAZOLAMIDE-RESPONSIVE HEREDITARY PAROXYSMAL CEREBELLAR ATAXIA; ATAXIA, EPISODIC, WITH NYSTAGMUS; ATAXIA, FAMILIAL PAROXYSMAL; CEREBELLAR ATAXIA, PAROXYSMAL, ACETAZOLAMIDE-RESPONSIVE; CEREBELLOPATHY, HEREDITARY PAROXYSMAL; EPISODIC ATAXIA, NYSTAGMUS-ASSOCIATED. Identifiers: Orphanet 97, MedGen C1720416, MONDO:0007163, OMIM 108500.
Developmental and epileptic encephalopathy, 42 (DEE42A). Also called: EPILEPTIC ENCEPHALOPATHY, EARLY INFANTILE, 42A; DEVELOPMENTAL AND EPILEPTIC ENCEPHALOPATHY 42A; Epileptic encephalopathy, early infantile, 42. Identifiers: MedGen C4310716, MONDO:0014917, OMIM 617106.

Submission:

Labcorp Genetics (formerly Invitae), Labcorp
Classification: Likely pathogenic for Developmental and epileptic encephalopathy, 42; Episodic ataxia type 2. Last evaluated: 2026-01-26. Review status: criteria provided, single submitter. Criteria: Invitae Variant Classification Sherloc (09022015). Collection method: clinical testing. Allele origin: germline.
Comment: This sequence change replaces isoleucine, which is neutral and non-polar, with threonine, which is neutral and polar, at codon 108 of the CACNA1A protein (p.Ile108Thr). This variant is not present in population databases (gnomAD no frequency). This missense change has been observed in individual(s) with developmental and epileptic encephalopathy (internal data). ClinVar contains an entry for this variant (Variation ID: 2116564). Invitae Evidence Modeling of protein sequence and biophysical properties (such as structural, functional, and spatial information, amino acid conservation, physicochemical variation, residue mobility, and thermodynamic stability) indicates that this missense variant is expected to disrupt CACNA1A protein function with a positive predictive value of 95%. This variant disrupts the p.Ile108 amino acid residue in CACNA1A. Other variant(s) that disrupt this residue have been determined to be pathogenic (PMID: 38250573; internal data). This suggests that this residue is clinically significant, and that variants that disrupt this residue are likely to be disease-causing. In summary, the currently available evidence indicates that the variant is pathogenic, but additional data are needed to prove that conclusively. Therefore, this variant has been classified as Likely Pathogenic.

Literature cited by the submitters: PubMed 38250573.